The following is an entry in ClinVar:

NM_003906.5(MCM3AP):c.370A>C (p.Thr124Pro)

Gene: MCM3AP (minichromosome maintenance complex component 3 associated protein; minus strand). Cytogenetic location: 21q22.3.
Variant type: single nucleotide variant.
Coding change: c.370A>C on transcript NM_003906.5 (MANE Select); coding-DNA position 370, A replaced by C.
Protein change: p.Thr124Pro; replaces threonine 124 with proline.
Molecular consequence: missense variant.
Genome position (GRCh38, 1-based): chr21:46,284,917, T>G on the plus strand (A>C on the coding strand, the complement: MCM3AP is on the minus strand). VCF-style: chr21-46284917-T-G. GRCh37 (hg19) VCF-style: chr21-47704831-T-G.
Other names: short protein forms T124P.
Identifiers: ClinVar variation 3686488 (VCV003686488.2).
Genomic context (GRCh38, chr21:46,284,917, plus strand): 5'-ATTCTGTTTTCCCAAAACCAGAGTTCACTATTTCTCCAGCTTCTTGTCCAAAAGCAGAAG[T>G]GCTTGGGAAAGCCCCAACACTGGTGGGTGATTTAAAACTAAATCCTGTGTTTCCCAGCAC-3'
Protein context (NP_003897.2, residues 114-134): SPTSVGAFPS[Thr124Pro]SAFGQEAGEI

ClinVar aggregate classification (germline): Uncertain significance (1 of 4 stars; one submission).

Submission:

Labcorp Genetics (formerly Invitae), Labcorp
Classification: Uncertain significance. Last evaluated: 2024-12-17. Review status: criteria provided, single submitter. Criteria: Invitae Variant Classification Sherloc (09022015). Collection method: clinical testing. Allele origin: germline.
Comment: This sequence change replaces threonine, which is neutral and polar, with proline, which is neutral and non-polar, at codon 124 of the MCM3AP protein (p.Thr124Pro). This variant is present in population databases (no rsID available, gnomAD 0.0009%). This variant has not been reported in the literature in individuals affected with MCM3AP-related conditions. An algorithm developed to predict the effect of missense changes on protein structure and function (PolyPhen-2) suggests that this variant is likely to be tolerated. In summary, the available evidence is currently insufficient to determine the role of this variant in disease. Therefore, it has been classified as a Variant of Uncertain Significance.